The following is an entry in ClinVar:

ClinVar aggregate classification (germline): Uncertain significance (1 of 4 stars; one submission).

Conditions:
Inborn genetic diseases. Identifiers: MedGen C0950123, MeSH D030342.

gnomAD v4.1: 69 of 1,613,828 alleles (0.0043%); highest among the groups gnomAD compares: Non-Finnish European, 0.0058%; no homozygotes.

Submission:

Ambry Genetics
Classification: Uncertain significance for Inborn genetic diseases. Last evaluated: 2025-09-28. Review status: criteria provided, single submitter. Criteria: Ambry Variant Classification Scheme 2023. Collection method: clinical testing. Allele origin: germline.
Comment: The p.S990C variant (also known as c.2968A>T), located in coding exon 21 of the MIB1 gene, results from an A to T substitution at nucleotide position 2968. The serine at codon 990 is replaced by cysteine, an amino acid with dissimilar properties. This amino acid position is conserved. In addition, this alteration is predicted to be deleterious by in silico analysis. Based on the available evidence, the clinical significance of this variant remains unclear.

NM_020774.4(MIB1):c.2968A>T (p.Ser990Cys)

Gene: MIB1 (MIB E3 ubiquitin protein ligase 1; plus strand). Cytogenetic location: 18q11.2.
Variant type: single nucleotide variant.
Coding change: c.2968A>T on transcript NM_020774.4 (MANE Select); coding-DNA position 2968, A replaced by T.
Protein change: p.Ser990Cys; replaces serine 990 with cysteine.
Molecular consequence: missense variant.
Genome position (GRCh38, 1-based): chr18:21,864,613, A>T. VCF-style: chr18-21864613-A-T. GRCh37 (hg19) VCF-style: chr18-19444574-A-T.
Other names: short protein forms S990C.
Identifiers: ClinVar variation 4624990 (VCV004624990.1).
Genomic context (GRCh38, chr18:21,864,613, plus strand): 5'-CTGAAGAATATGATTTTCCTTTGTGGTCACGGAACCTGTCAACTCTGTGGAGACCGCATG[A>T]GTGAATGTCCTATCTGTCGCAAGGCTATTGAACGAAGGATTCTTTTGTATTAACTAAGAC-3'
Protein context (NP_065825.1, residues 980-1000): GTCQLCGDRM[Ser990Cys]ECPICRKAIE